The following is an entry in ClinVar:

ClinVar aggregate classification (germline): Uncertain significance (1 of 4 stars; one submission).

Conditions:
Dyskeratosis congenita, autosomal recessive 5 (DKCB5). Identifiers: MedGen C3554656, MONDO:0014076, OMIM 615190.
Pulmonary fibrosis and/or bone marrow failure, Telomere-related, 3. Also called: PULMONARY FIBROSIS AND/OR BONE MARROW FAILURE SYNDROME, TELOMERE-RELATED, 3. Identifiers: Orphanet 2032, MedGen C4225346, MONDO:0014613, OMIM 616373.

Allele frequency attached by ClinVar (database versions not stated): ExAC 0.00001; gnomAD 0.00001; TOPMed 0.00002.

Submission:

Labcorp Genetics (formerly Invitae), Labcorp
Classification: Uncertain significance for Dyskeratosis congenita, autosomal recessive 5; Pulmonary fibrosis and/or bone marrow failure, Telomere-related, 3. Last evaluated: 2025-02-17. Review status: criteria provided, single submitter. Criteria: Invitae Variant Classification Sherloc (09022015). Collection method: clinical testing. Allele origin: germline.
Comment: This sequence change replaces glutamine, which is neutral and polar, with glutamic acid, which is acidic and polar, at codon 1187 of the RTEL1 protein (p.Gln1187Glu). This variant is present in population databases (rs776525427, gnomAD 0.01%). This variant has not been reported in the literature in individuals affected with RTEL1-related conditions. ClinVar contains an entry for this variant (Variation ID: 1934674). An algorithm developed to predict the effect of missense changes on protein structure and function (PolyPhen-2) suggests that this variant is likely to be tolerated. In summary, the available evidence is currently insufficient to determine the role of this variant in disease. Therefore, it has been classified as a Variant of Uncertain Significance.

NM_001283009.2(RTEL1):c.3559C>G (p.Gln1187Glu)

Genes: RTEL1 (regulator of telomere elongation helicase 1; plus strand), RTEL1-TNFRSF6B (RTEL1-TNFRSF6B readthrough (NMD candidate); plus strand). Cytogenetic location: 20q13.33.
Variant type: single nucleotide variant.
Coding change: c.3559C>G on transcript NM_001283009.2 (MANE Select); coding-DNA position 3559, C replaced by G.
Protein change: p.Gln1187Glu; replaces glutamine 1187 with glutamic acid.
Molecular consequence: missense variant. On other transcripts: non-coding transcript variant (1).
Genome position (GRCh38, 1-based): chr20:63,695,387, C>G. VCF-style: chr20-63695387-C-G. GRCh37 (hg19) VCF-style: chr20-62326740-C-G.
Other names: c.2890C>G, p.Gln964Glu (NM_001283010.1); c.3559C>G, p.Gln1187Glu (NM_016434.4); c.3631C>G, p.Gln1211Glu (NM_032957.5); short protein forms Q1187E, Q1211E, Q964E.
Identifiers: ClinVar variation 1934674 (VCV001934674.4), dbSNP rs776525427, ClinGen allele CA9966123.